The following is an entry in ClinVar:

NM_003060.4(SLC22A5):c.638C>A (p.Ala213Glu)

Gene: SLC22A5 (solute carrier family 22 member 5; plus strand). Cytogenetic location: 5q31.1.
Variant type: single nucleotide variant.
Coding change: c.638C>A on transcript NM_003060.4 (MANE Select); coding-DNA position 638, C replaced by A.
Protein change: p.Ala213Glu; replaces alanine 213 with glutamic acid.
Molecular consequence: missense variant.
Genome position (GRCh38, 1-based): chr5:132,384,287, C>A. VCF-style: chr5-132384287-C-A. GRCh37 (hg19) VCF-style: chr5-131719979-C-A.
Other names: c.710C>A, p.Ala237Glu (NM_001308122.2); short protein forms A213E, A237E.
Identifiers: ClinVar variation 4075844 (VCV004075844.1).

ClinVar aggregate classification (germline): Likely pathogenic (1 of 4 stars; one submission).

Conditions:
Renal carnitine transport defect (CDSP). Also called: Systemic primary carnitine deficiency disease; CARNITINE DEFICIENCY, SYSTEMIC, DUE TO DEFECT IN RENAL REABSORPTION OF CARNITINE; CARNITINE TRANSPORTER, PLASMA-MEMBRANE, DEFICIENCY OF; CARNITINE UPTAKE DEFECT; Carnitine transporter deficiency; Carnitine Deficiency, Systemic. Identifiers: Orphanet 158, MedGen C0342788, MONDO:0008919, OMIM 212140.

Submission:

Centre for Inherited Metabolic Diseases, Karolinska University Hospital
Classification: Likely pathogenic for Renal carnitine transport defect. Last evaluated: 2025-08-06. Review status: criteria provided, single submitter. Criteria: ACMG Guidelines, 2015. Collection method: clinical testing. Allele origin: germline. Inheritance: Autosomal recessive inheritance. Affected: yes.
Comment: Used criteria: PM2, PP1-supporting + PP4-strong according to Biesecker et al. 2023, PM3 supporting.